The following is an entry in ClinVar:

NM_003072.5(SMARCA4):c.3882C>T (p.Asp1294=)

Gene: SMARCA4 (SWI/SNF related BAF chromatin remodeling complex subunit ATPase 4; plus strand). Cytogenetic location: 19p13.2.
Variant type: single nucleotide variant.
Coding change: c.3882C>T on transcript NM_003072.5 (MANE Select); coding-DNA position 3882, C replaced by T.
Protein change: p.Asp1294=; no amino-acid change (aspartic acid 1294 retained).
Molecular consequence: synonymous variant. On other transcripts: non-coding transcript variant (1).
Genome position (GRCh38, 1-based): chr19:11,034,131, C>T. VCF-style: chr19-11034131-C-T. GRCh37 (hg19) VCF-style: chr19-11144807-C-T.
Other names: c.3882C>T, p.Asp1294= (NM_001128844.3, NM_001128849.3, NM_001387283.1); c.3783C>T, p.Asp1261= (NM_001128845.2, NM_001128846.2, NM_001128847.4 and 2 more transcripts).
Identifiers: ClinVar variation 470372 (VCV000470372.18), dbSNP rs750494195, ClinGen allele CA9204556.

ClinVar aggregate classification (germline): Benign/Likely benign. Review status: criteria provided, multiple submitters, no conflicts (2 of 4 stars). 4 submissions from 4 submitters: Benign (1); Likely benign (3). Last evaluated 2026-07-15.

Conditions:
Hereditary cancer-predisposing syndrome. Also called: Tumor predisposition; Neoplastic Syndromes, Hereditary; Hereditary Cancer Syndrome; Hereditary neoplastic syndrome. Identifiers: Orphanet 140162, MedGen C0027672, MeSH D009386, MONDO:0015356.
Rhabdoid tumor predisposition syndrome 2 (RTPS2). Identifiers: Orphanet 231108, Orphanet 69077, MedGen C2750074, MONDO:0013224, OMIM 613325.

Allele frequency attached by ClinVar (database versions not stated): gnomAD exomes 0.00001 and 0.00002; gnomAD 0.00001; ExAC 0.00002; TOPMed 0.00004.
gnomAD v4.1: 9 of 1,613,198 alleles (0.00056%); highest among the groups gnomAD compares: East Asian, 0.0089%; no homozygotes.

Submissions (4):

Myriad Genetics, Inc.
Classification: Benign for Rhabdoid tumor predisposition syndrome 2. Last evaluated: 2026-07-15. Review status: criteria provided, single submitter. Criteria: Myriad Autosomal Dominant, Autosomal Recessive and X-Linked Classification Criteria (2023). Collection method: clinical testing. Allele origin: unknown.
Comment: This variant is considered benign. This variant is a silent/synonymous amino acid change and it is not expected to impact splicing.

Labcorp Genetics (formerly Invitae), Labcorp
Classification: Likely benign for Rhabdoid tumor predisposition syndrome 2. Last evaluated: 2025-11-26. Review status: criteria provided, single submitter. Criteria: Invitae Variant Classification Sherloc (09022015). Collection method: clinical testing. Allele origin: germline.

Blueprint Genetics
Classification: Likely benign. Last evaluated: 2019-12-05. Review status: criteria provided, single submitter. Criteria: ACMG Guidelines, 2015. Collection method: clinical testing. Allele origin: germline.

Ambry Genetics
Classification: Likely benign for Hereditary cancer-predisposing syndrome. Last evaluated: 2016-08-25. Review status: criteria provided, single submitter. Criteria: Ambry Variant Classification Scheme 2023. Collection method: clinical testing. Allele origin: germline.